The following is an entry in ClinVar:

NM_005629.4(SLC6A8):c.826C>T (p.Leu276=)

Gene: SLC6A8 (solute carrier family 6 member 8; plus strand). Cytogenetic location: Xq28.
Variant type: single nucleotide variant.
Coding change: c.826C>T on transcript NM_005629.4 (MANE Select); coding-DNA position 826, C replaced by T.
Protein change: p.Leu276=; no amino-acid change (leucine 276 retained).
Molecular consequence: synonymous variant.
Genome position (GRCh38, 1-based): chrX:153,693,089, C>T. VCF-style: chrX-153693089-C-T. GRCh37 (hg19) VCF-style: chrX-152958544-C-T.
Other names: NM_005629.4(SLC6A8):c.826C>T; p.Leu276=; c.826C>T, p.Leu276= (NM_001142805.2); c.481C>T, p.Leu161= (NM_001142806.1).
Identifiers: ClinVar variation 388608 (VCV000388608.17), dbSNP rs138634140, ClinGen allele CA10549335.

ClinVar aggregate classification (germline): Benign. Review status: reviewed by expert panel (3 of 4 stars). 6 submissions from 6 submitters: Benign (1). 5 of the submissions do not count toward it. Last evaluated 2022-06-06.

Conditions:
Creatine transporter deficiency (CCDS1). Also called: Mental retardation , X-linked with seizures, short stature and midface hypoplasia; Mental retardation , X-linked, with creatine transport deficiency; X-linked creatine transporter deficiency; X-linked creatine deficiency syndrome; SLC6A8-Related Creatine Transporter Deficiency; CREATINE TRANSPORTER DEFECT. Identifiers: Orphanet 52503, MedGen C1845862, MONDO:0010305, OMIM 300352.
SLC6A8-related disorder. Also called: SLC6A8-related condition.

Allele frequency attached by ClinVar (database versions not stated): gnomAD exomes 0.00001 and 0.00003; ExAC 0.00005; gnomAD 0.00011; TOPMed 0.00011; ESP Exome Variant Server 0.00028.
gnomAD v4.1: 21 of 1,209,373 alleles (0.0017%); highest among the groups gnomAD compares: African/African-American, 0.026%; no homozygotes.

Submissions (6):

ClinGen Cerebral Creatine Deficiency Syndromes Variant Curation Expert Panel, ClinGen
Classification: Benign for Creatine transporter deficiency. Last evaluated: 2022-06-06. Review status: reviewed by expert panel. Criteria: ClinGen_CCDS_ACMG_Specifications_SLC6A8_v1.1. Collection method: curation. Allele origin: germline. Inheritance: X-linked inheritance.
Comment: The NM_005629.4:c.826C>T variant in SLC6A8 is a synonymous (silent) variant (p.Leu276=). The computational predictors SpliceAI and varSEAK predict that the variant has no impact on splicing (BP4). The highest population minor allele frequency in gnomAD v2.1.1 is 0.00037 in the African/African-American population, which is higher than the ClinGen CCDS VCEP’s allele frequency threshold for BS1 (>0.0002) (BS1). Two hemizygotes are present in gnomAD v2.1.1 (BS2). To our knowledge, this variant has not been reported in the literature and results of functional studies are unavailable. There is a ClinVar entry for this variant (Variation ID: 388608). In summary, this variant meets the criteria to be classified as benign for creatine transporter deficiency. SLC6A8-specific ACMG-AMP criteria applied, as specified by the ClinGen CCDS VCEP (Specifications Version 1.1.0): BS1, BS2, BP4. (Classification approved by the ClinGen CCDS VCEP on June 6, 2022).

Labcorp Genetics (formerly Invitae), Labcorp
Classification: Benign for Creatine transporter deficiency. Last evaluated: 2025-11-23. Review status: criteria provided, single submitter. Criteria: Invitae Variant Classification Sherloc (09022015). Collection method: clinical testing. Allele origin: germline. Not counted in ClinVar's aggregate classification.

Blueprint Genetics
Classification: Likely benign. Last evaluated: 2024-06-07. Review status: criteria provided, single submitter. Criteria: ACMG Guidelines, 2015. Collection method: clinical testing. Allele origin: germline. Not counted in ClinVar's aggregate classification.

GeneDx
Classification: Likely benign. Last evaluated: 2021-03-24. Review status: criteria provided, single submitter. Criteria: GeneDx Variant Classification Process June 2021. Collection method: clinical testing. Allele origin: germline. Affected: yes. Not counted in ClinVar's aggregate classification.

Genetic Services Laboratory, University of Chicago
Classification: Likely benign. Last evaluated: 2018-12-05. Review status: criteria provided, single submitter. Criteria: ACMG Guidelines, 2015. Collection method: clinical testing. Allele origin: germline. Affected: no. Not counted in ClinVar's aggregate classification.

PreventionGenetics, part of Exact Sciences
Classification: Benign for SLC6A8-related condition. Last evaluated: 2024-06-19. Review status: no assertion criteria provided. Collection method: clinical testing. Allele origin: germline. Not counted in ClinVar's aggregate classification.
Comment: This variant is classified as benign based on ACMG/AMP sequence variant interpretation guidelines (Richards et al. 2015 PMID: 25741868, with internal and published modifications).